The following is an entry in ClinVar:

ClinVar aggregate classification (germline): Uncertain significance. Review status: criteria provided, multiple submitters, no conflicts (2 of 4 stars). 3 submissions from 3 submitters: Uncertain significance (3). Last evaluated 2026-06-08.

Conditions:
PRPF31-related disorder. Also called: PRPF31-related condition.

Allele frequency attached by ClinVar (database versions not stated): gnomAD exomes below 0.00001 and 0.00001; gnomAD 0.00001; TOPMed 0.00001.

Submissions (3):

PreventionGenetics, part of Exact Sciences
Classification: Uncertain significance for PRPF31-related condition. Last evaluated: 2026-06-08. Review status: criteria provided, single submitter. Criteria: ACMG Guidelines, 2015. Collection method: clinical testing. Allele origin: germline.
Comment: The PRPF31 c.1243G>A variant is predicted to result in the amino acid substitution p.Ala415Thr. To our knowledge, this variant has not been reported in the literature. This variant is reported in 0.0049% of alleles in individuals of African descent in gnomAD. At this time, the clinical significance of this variant is uncertain due to the absence of conclusive functional and genetic evidence.

Labcorp Genetics (formerly Invitae), Labcorp
Classification: Uncertain significance. Last evaluated: 2024-11-27. Review status: criteria provided, single submitter. Criteria: Invitae Variant Classification Sherloc (09022015). Collection method: clinical testing. Allele origin: germline.
Comment: This sequence change replaces alanine, which is neutral and non-polar, with threonine, which is neutral and polar, at codon 415 of the PRPF31 protein (p.Ala415Thr). The frequency data for this variant in the population databases is considered unreliable, as metrics indicate poor data quality at this position in the gnomAD database. This missense change has been observed in individual(s) with inherited retinal dystrophy (internal data). ClinVar contains an entry for this variant (Variation ID: 1059042). An algorithm developed to predict the effect of missense changes on protein structure and function (PolyPhen-2) suggests that this variant is likely to be tolerated. In summary, the available evidence is currently insufficient to determine the role of this variant in disease. Therefore, it has been classified as a Variant of Uncertain Significance.

Breakthrough Genomics
Classification: Uncertain significance. Review status: criteria provided, single submitter. Criteria: ACMG Guidelines, 2015. Collection method: not provided. Allele origin: germline. Inheritance: Autosomal dominant inheritance. Affected: yes.

NM_015629.4(PRPF31):c.1243G>A (p.Ala415Thr)

Gene: PRPF31 (pre-mRNA processing factor 31; plus strand). Cytogenetic location: 19q13.42.
Variant type: single nucleotide variant.
Coding change: c.1243G>A on transcript NM_015629.4 (MANE Select); coding-DNA position 1243, G replaced by A.
Protein change: p.Ala415Thr; replaces alanine 415 with threonine.
Molecular consequence: missense variant.
Genome position (GRCh38, 1-based): chr19:54,129,153, G>A. VCF-style: chr19-54129153-G-A. GRCh37 (hg19) VCF-style: chr19-54632528-G-A.
Other names: c.1243G>A (NM_015629.3); short protein forms A415T.
Identifiers: ClinVar variation 1059042 (VCV001059042.11), dbSNP rs1222805069, ClinGen allele CA407754820.